The following is an entry in ClinVar:

NM_001201543.2(FAM161A):c.598A>G (p.Asn200Asp)

Gene: FAM161A (FAM161 centrosomal protein A; minus strand). Cytogenetic location: 2p15.
Variant type: single nucleotide variant.
Coding change: c.598A>G on transcript NM_001201543.2 (MANE Select); coding-DNA position 598, A replaced by G.
Protein change: p.Asn200Asp; replaces asparagine 200 with aspartic acid.
Molecular consequence: missense variant. On other transcripts: non-coding transcript variant (1).
Genome position (GRCh38, 1-based): chr2:61,840,406, T>C on the plus strand (A>G on the coding strand, the complement: FAM161A is on the minus strand). VCF-style: chr2-61840406-T-C. GRCh37 (hg19) VCF-style: chr2-62067541-T-C.
Other names: c.598A>G, p.Asn200Asp (NM_032180.3); short protein forms N200D.
Identifiers: ClinVar variation 863809 (VCV000863809.7), dbSNP rs372038495, ClinGen allele CA1679321.

ClinVar aggregate classification (germline): Conflicting classifications of pathogenicity. Review status: criteria provided, conflicting classifications (1 of 4 stars). 4 submissions from 4 submitters: Uncertain significance (2); Likely benign (1). 1 of the submissions does not count toward it. Last evaluated 2023-10-27.

Conditions:
Retinitis pigmentosa 28 (RP28). Identifiers: Orphanet 791, MedGen C1419614, MONDO:0011630, OMIM 606068.
Inborn genetic diseases. Identifiers: MedGen C0950123, MeSH D030342.

Allele frequency attached by ClinVar (database versions not stated): gnomAD exomes 0.00001 and 0.00004; ExAC 0.00003; gnomAD 0.00007 and 0.00008; ESP Exome Variant Server 0.00008; TOPMed 0.00013; 1000 Genomes Project 30x 0.00016; 1000 Genomes Project 0.00020.
gnomAD v4.1: 32 of 1,614,180 alleles (0.002%); highest among the groups gnomAD compares: African/African-American, 0.041%; no homozygotes.

Submissions (4):

Ambry Genetics
Classification: Uncertain significance for Inborn genetic diseases. Last evaluated: 2023-10-27. Review status: criteria provided, single submitter. Criteria: Ambry Variant Classification Scheme 2023. Collection method: clinical testing. Allele origin: germline.

Labcorp Genetics (formerly Invitae), Labcorp
Classification: Uncertain significance. Last evaluated: 2022-05-06. Review status: criteria provided, single submitter. Criteria: Invitae Variant Classification Sherloc (09022015). Collection method: clinical testing. Allele origin: germline.
Comment: This sequence change replaces asparagine, which is neutral and polar, with aspartic acid, which is acidic and polar, at codon 200 of the FAM161A protein (p.Asn200Asp). This variant is present in population databases (rs372038495, gnomAD 0.04%). This variant has not been reported in the literature in individuals affected with FAM161A-related conditions. ClinVar contains an entry for this variant (Variation ID: 863809). Algorithms developed to predict the effect of missense changes on protein structure and function are either unavailable or do not agree on the potential impact of this missense change (SIFT: "Tolerated"; PolyPhen-2: "Possibly Damaging"; Align-GVGD: "Class C0"). In summary, the available evidence is currently insufficient to determine the role of this variant in disease. Therefore, it has been classified as a Variant of Uncertain Significance.

Blueprint Genetics
Classification: Likely benign. Last evaluated: 2020-09-22. Review status: criteria provided, single submitter. Criteria: ACMG Guidelines, 2015. Collection method: clinical testing. Allele origin: germline.

Natera, Inc.
Classification: Uncertain significance for Retinitis pigmentosa type 28. Last evaluated: 2020-06-14. Review status: no assertion criteria provided. Collection method: clinical testing. Allele origin: germline. Not counted in ClinVar's aggregate classification.